The following is an entry in ClinVar:

NM_016122.3(CEP83):c.177_197dup (p.His63_Glu69dup)

Gene: CEP83 (centrosomal protein 83; minus strand). Cytogenetic location: 12q22.
Variant type: Duplication.
Coding change: c.177_197dup on transcript NM_016122.3 (MANE Select); coding-DNA positions 177 to 197, 21 bases duplicated (GCAGAATGAACATGTAAAGTT).
Protein change: p.His63_Glu69dup.
Molecular consequence: inframe insertion. On other transcripts: 5 prime UTR variant (6), non-coding transcript variant (3).
Genome position (GRCh38, 1-based): chr12:94,411,824-94,411,844, AACTTTACATGTTCATTCTGC duplicated on the plus strand (GCAGAATGAACATGTAAAGTT on the coding strand, the reverse complement: CEP83 is on the minus strand); duplicating any 21 consecutive bases within chr12:94,411,824-94,411,847 gives the same sequence; the c. name uses the placement nearest the transcript's 3' end. VCF-style (leftmost placement, unchanged base first): chr12-94411823-T-TAACTTTACATGTTCATTCTGC. GRCh37 (hg19) VCF-style: chr12-94805599-T-TAACTTTACATGTTCATTCTGC.
Other names: c.177_197dup, p.His63_Glu69dup (NM_001042399.2, NM_001346457.2, NM_001346460.2 and 4 more transcripts); c.-136_-116dup (NM_001346458.2, NM_001346459.2, NM_001346462.2 and 3 more transcripts).
Identifiers: ClinVar variation 972130 (VCV000972130.7), dbSNP rs755361880, ClinGen allele CA6722011.

ClinVar aggregate classification (germline): Uncertain significance (1 of 4 stars; one submission).

Conditions:
Nephronophthisis 18 (NPHP18). Identifiers: Orphanet 655, MedGen C3890591, MONDO:0014374, OMIM 615862.

Submission:

Labcorp Genetics (formerly Invitae), Labcorp
Classification: Uncertain significance for Nephronophthisis 18. Last evaluated: 2024-10-28. Review status: criteria provided, single submitter. Criteria: Invitae Variant Classification Sherloc (09022015). Collection method: clinical testing. Allele origin: germline.
Comment: This variant, c.177_197dup, results in the insertion of 7 amino acid(s) of the CEP83 protein (p.His63_Glu69dup), but otherwise preserves the integrity of the reading frame. This variant is present in population databases (rs755361880, gnomAD 0.06%). This variant has not been reported in the literature in individuals affected with CEP83-related conditions. ClinVar contains an entry for this variant (Variation ID: 972130). In summary, the available evidence is currently insufficient to determine the role of this variant in disease. Therefore, it has been classified as a Variant of Uncertain Significance.